The following is an entry in ClinVar:

NM_002471.4(MYH6):c.1048G>A (p.Val350Ile)

Gene: MYH6 (myosin heavy chain 6; minus strand). Cytogenetic location: 14q11.2.
Variant type: single nucleotide variant.
Coding change: c.1048G>A on transcript NM_002471.4 (MANE Select); coding-DNA position 1048, G replaced by A.
Protein change: p.Val350Ile; replaces valine 350 with isoleucine.
Molecular consequence: missense variant.
Genome position (GRCh38, 1-based): chr14:23,402,557, C>T on the plus strand (G>A on the coding strand, the complement: MYH6 is on the minus strand). VCF-style: chr14-23402557-C-T. GRCh37 (hg19) VCF-style: chr14-23871766-C-T.
Other names: p.Val350Ile; short protein forms V350I.
Identifiers: ClinVar variation 222713 (VCV000222713.17), dbSNP rs200260629, ClinGen allele CA353901.

ClinVar aggregate classification (germline): Uncertain significance. Review status: criteria provided, multiple submitters, no conflicts (2 of 4 stars). 5 submissions from 5 submitters: Uncertain significance (5). Last evaluated 2026-03-06.

Conditions:
Cardiovascular phenotype. Identifiers: MedGen CN230736.
MYH6-related disorder. Also called: MYH6-Related Disorders; MYH6-related condition.
Hypertrophic cardiomyopathy 14. Identifiers: MedGen C2750467, MONDO:0013197, OMIM 613251.

Allele frequency attached by ClinVar (database versions not stated): ExAC 0.00005; gnomAD exomes 0.00006; ESP Exome Variant Server 0.00015; TOPMed 0.00024; gnomAD 0.00025 and 0.00026; 1000 Genomes Project 30x 0.00047; 1000 Genomes Project 0.00060.

Submissions (5):

PreventionGenetics, part of Exact Sciences
Classification: Uncertain significance for MYH6-related condition. Last evaluated: 2026-03-06. Review status: criteria provided, single submitter. Criteria: ACMG Guidelines, 2015. Collection method: clinical testing. Allele origin: germline.
Comment: The MYH6 c.1048G>A variant is predicted to result in the amino acid substitution p.Val350Ile. This variant has been reported in individuals with arrhythmogenic right ventricular cardiomyopathy, hypertrophic cardiomyopathy, and long QT syndrome; however, the patients also carried variants in other genes related with their phenotypes (Supplementary File 2, van Lint et al. 2019. PubMed ID: 30847666; Table S3, Mellor et al. 2017. PubMed ID: 28600387; Table S1, Lopes et al. 2014. PubMed ID: 25351510; Table S1, Hertz et al. 2015. PubMed ID: 26383259). This variant is reported in 0.040% of alleles in individuals of African descent in gnomAD v2 (as displayed in the table above). However, in gnomAD v4 (available only on GRCh38), this variant is reported in 0.049% of alleles in that subpopulation and in 125 individuals globally, which is likely too common for a highly penetrant pathogenic variant. Although we suspect that this variant may be benign, the clinical significance of this variant is classified as uncertain at this time due to insufficient functional and genetic evidence.

Labcorp Genetics (formerly Invitae), Labcorp
Classification: Uncertain significance for Hypertrophic cardiomyopathy 14. Last evaluated: 2026-01-14. Review status: criteria provided, single submitter. Criteria: Invitae Variant Classification Sherloc (09022015). Collection method: clinical testing. Allele origin: germline.
Comment: This sequence change replaces valine, which is neutral and non-polar, with isoleucine, which is neutral and non-polar, at codon 350 of the MYH6 protein (p.Val350Ile). This variant is present in population databases (rs200260629, gnomAD 0.05%), and has an allele count higher than expected for a pathogenic variant. This missense change has been observed in individual(s) with arrhythmogenic right ventricular cardiomyopathy, hypertrophic cardiomyopathy, and/or long QT syndrome (PMID: 25351510, 28600387, 30847666). ClinVar contains an entry for this variant (Variation ID: 222713). An algorithm developed to predict the effect of missense changes on protein structure and function (PolyPhen-2) suggests that this variant is likely to be tolerated. In summary, the available evidence is currently insufficient to determine the role of this variant in disease. Therefore, it has been classified as a Variant of Uncertain Significance.

Ambry Genetics
Classification: Uncertain significance for Cardiovascular phenotype. Last evaluated: 2025-10-12. Review status: criteria provided, single submitter. Criteria: Ambry Variant Classification Scheme 2023. Collection method: clinical testing. Allele origin: germline.
Comment: The p.V350I variant (also known as c.1048G>A), located in coding exon 10 of the MYH6 gene, results from a G to A substitution at nucleotide position 1048. The valine at codon 350 is replaced by isoleucine, an amino acid with highly similar properties. This variant has been detected in a hypertrophic cardiomyopathy cohort and in individuals with reported sudden cardiac arrest/death, arrhythmogenic right ventricular cardiomyopathy, and long QT syndrome phenotypes; however, clinical details were limited and co-occurring variants were detected in some cases (Lopes LR et al. Heart, 2015 Feb;101:294-301; Hertz CL et al. Int J Legal Med. 2016 Jan;130(1):91-102; Mellor G et al. Circ Cardiovasc Genet. 2017 Jun;10(3); van Lint FHM et al. Neth Heart J. 2019 Jun;27(6):304-309). This amino acid position is not well conserved in available vertebrate species. In addition, this alteration is predicted to be tolerated by in silico analysis. Since supporting evidence is limited at this time, the clinical significance of this alteration remains unclear.

Blueprint Genetics
Classification: Uncertain significance. Last evaluated: 2024-10-11. Review status: criteria provided, single submitter. Criteria: ACMG Guidelines, 2015. Collection method: clinical testing. Allele origin: germline.

Mayo Clinic Laboratories, Mayo Clinic
Classification: Uncertain significance. Last evaluated: 2022-08-16. Review status: criteria provided, single submitter. Criteria: ACMG Guidelines, 2015. Collection method: clinical testing. Allele origin: germline. Observed: 1 variant allele.
Comment: BP4

Literature cited by the submitters: PubMed 25351510 (cited by 3 submitters); PubMed 28600387 (cited by 3 submitters); PubMed 30847666 (cited by 3 submitters); PubMed 26383259 (cited by Ambry Genetics).